The following is an entry in ClinVar:

NM_024120.5(NDUFAF5):c.2_3delinsAT (p.Met1Asn)

Genes: NDUFAF5 (NADH:ubiquinone oxidoreductase complex assembly factor 5; plus strand), LOC130065433 (ATAC-STARR-seq lymphoblastoid active region 17552; plus strand). Cytogenetic location: 20p12.1.
Variant type: Indel.
Coding change: c.2_3delinsAT on transcript NM_024120.5 (MANE Select); coding-DNA positions 2 to 3, TG replaced by AT.
Protein change: p.Met1Asn; changes the start codon (methionine 1).
Molecular consequence: missense variant, initiator codon variant. On other transcripts: 5 prime UTR variant (3), non-coding transcript variant (7).
Genome position (GRCh38, 1-based): chr20:13,785,070-13,785,071, TG replaced by AT. VCF-style: chr20-13785070-TG-AT. GRCh37 (hg19) VCF-style: chr20-13765716-TG-AT.
Other names: c.2_3delinsAT, p.Met1Asn (NM_001039375.3, NM_001352408.2); c.-366_-365delinsAT (NM_001352403.2); c.-580_-579delinsAT (NM_001352406.2); c.-694_-693delinsAT (NM_001352407.2); short protein forms M1N.
Identifiers: ClinVar variation 4718229 (VCV004718229.1).

ClinVar aggregate classification (germline): Pathogenic (1 of 4 stars; one submission).

Submission:

Labcorp Genetics (formerly Invitae), Labcorp
Classification: Pathogenic. Last evaluated: 2025-04-23. Review status: criteria provided, single submitter. Criteria: Invitae Variant Classification Sherloc (09022015). Collection method: clinical testing. Allele origin: germline.
Comment: This sequence change affects the initiator codon of the NDUFAF5 mRNA. This change may impact translation initiation or efficiency. The next in-frame methionine is located at codon 188. Information on the frequency of this variant in the gnomAD database is not available, as this variant may be reported differently in the database. Disruption of the initiator codon has been observed in individual(s) with mitochondrial complex I deficiency (PMID: 35379322). This variant disrupts a region of the NDUFAF5 protein in which other variant(s) (p.Lys109Asn) have been determined to be pathogenic (PMID: 30473481). This suggests that this is a clinically significant region of the protein, and that variants that disrupt it are likely to be disease-causing. For these reasons, this variant has been classified as Pathogenic.

Literature cited by the submitters: PubMed 35379322; PubMed 30473481.